The following is an entry in ClinVar:

ClinVar aggregate classification (germline): Conflicting classifications of pathogenicity. Review status: criteria provided, conflicting classifications (1 of 4 stars). 6 submissions from 6 submitters: Uncertain significance (1); Likely benign (5). Last evaluated 2026-01-06.

Conditions:
DSG2-related disorder. Also called: DSG2-related condition.
Cardiovascular phenotype. Identifiers: MedGen CN230736.
Arrhythmogenic right ventricular cardiomyopathy (ARVD). Also called: Arrhythmogenic cardiomyopathy; Arrhythmogenic Right Ventricular Cardiomyopathy (ARVC); Arrhythmogenic right ventricular dysplasia; Cardiomyopathy, ARVC. Identifiers: Orphanet 247, MedGen C0349788, MeSH D019571, MONDO:0016587. Disease mechanism: loss of function. Inheritance: Various modes of inheritance.
Cardiomyopathy (CMYO). Also called: Cardiomyopathies. Identifiers: Orphanet 167848, MedGen C0878544, MONDO:0004994, HP:0001638. Inheritance: Various modes of inheritance.
Arrhythmogenic right ventricular dysplasia 10. Also called: Arrhythmogenic Right Ventricular Dysplasia/Cardiomyopathy10; ARRHYTHMOGENIC RIGHT VENTRICULAR DYSPLASIA, FAMILIAL, 10; Arrhythmogenic right ventricular dysplasia/cardiomyopathy, type 10. Identifiers: MedGen C1857777, MONDO:0012434, OMIM 610193.

Allele frequency attached by ClinVar (database versions not stated): TOPMed 0.00002; ExAC 0.00003; gnomAD 0.00003 and 0.00004; gnomAD exomes 0.00003 and 0.00007.
gnomAD v4.1: 107 of 1,613,696 alleles (0.0066%); highest among the groups gnomAD compares: Non-Finnish European, 0.0082%; 1 homozygote.

Submissions (6):

Labcorp Genetics (formerly Invitae), Labcorp
Classification: Likely benign for Arrhythmogenic right ventricular dysplasia 10. Last evaluated: 2026-01-06. Review status: criteria provided, single submitter. Criteria: Invitae Variant Classification Sherloc (09022015). Collection method: clinical testing. Allele origin: germline.

PreventionGenetics, part of Exact Sciences
Classification: Likely benign for DSG2-related condition. Last evaluated: 2025-05-09. Review status: criteria provided, single submitter. Criteria: ACMG Guidelines, 2015. Collection method: clinical testing. Allele origin: germline.
Comment: This variant is classified as likely benign based on ACMG/AMP sequence variant interpretation guidelines (Richards et al. 2015 PMID: 25741868, with internal and published modifications).

All of Us Research Program, National Institutes of Health
Classification: Likely benign for Arrhythmogenic right ventricular cardiomyopathy. Last evaluated: 2024-01-11. Review status: criteria provided, single submitter. Criteria: ACMG Guidelines, 2015. Collection method: clinical testing. Allele origin: germline. Inheritance: Autosomal dominant inheritance. Observed: 16 variant alleles, 16 heterozygotes.
Comment: This study involves interpretation of variants in research participants for the purpose of population health screening. Participant phenotype was not available at the time of variant classification. Additional details can be found in publication PMID: 35346344, PMCID: PMC8962531

GeneDx
Classification: Uncertain significance. Last evaluated: 2020-10-05. Review status: criteria provided, single submitter. Criteria: GeneDx Variant Classification Process June 2021. Collection method: clinical testing. Allele origin: germline. Affected: yes.
Comment: Has not been previously published as pathogenic or benign to our knowledge; Reported in ClinVar (ClinVar Variant ID# 410369; Landrum et al., 2016); Not observed at a significant frequency in large population cohorts (Lek et al., 2016); In-silico analysis, which includes splice predictors and evolutionary conservation, is inconclusive as to whether the variant alters gene splicing. In the absence of RNA/functional studies, the actual effect of this sequence change is unknown.

Color Diagnostics, LLC DBA Color Health
Classification: Likely benign for Cardiomyopathy. Last evaluated: 2018-09-29. Review status: criteria provided, single submitter. Criteria: ACMG Guidelines, 2015. Collection method: clinical testing. Allele origin: germline.

Ambry Genetics
Classification: Likely benign for Cardiovascular phenotype. Last evaluated: 2017-06-08. Review status: criteria provided, single submitter. Criteria: Ambry Variant Classification Scheme 2023. Collection method: clinical testing. Allele origin: germline.

NM_001943.5(DSG2):c.2004G>A (p.Val668=)

Genes: DSG2 (desmoglein 2; plus strand), DSG2-AS1 (DSG2 antisense RNA 1; minus strand). Cytogenetic location: 18q12.1.
Variant type: single nucleotide variant.
Coding change: c.2004G>A on transcript NM_001943.5 (MANE Select); coding-DNA position 2004, G replaced by A.
Protein change: p.Val668=; no amino-acid change (valine 668 retained).
Molecular consequence: synonymous variant.
Genome position (GRCh38, 1-based): chr18:31,542,522, G>A. VCF-style: chr18-31542522-G-A. GRCh37 (hg19) VCF-style: chr18-29122485-G-A.
Other names: c.2004G>A (LRG_397t1).
Identifiers: ClinVar variation 410369 (VCV000410369.19), dbSNP rs773645222, ClinGen allele CA044684.